The following is an entry in ClinVar:

NM_003919.3(SGCE):c.1156A>G (p.Thr386Ala)

Genes: CASD1 (CAS1 domain sialic acid O acetyltransferase 1; plus strand), SGCE (sarcoglycan epsilon; minus strand). Cytogenetic location: 7q21.3.
Variant type: single nucleotide variant.
Coding change: c.1156A>G on transcript NM_003919.3 (MANE Select); coding-DNA position 1156, A replaced by G.
Protein change: p.Thr386Ala; replaces threonine 386 with alanine.
Molecular consequence: missense variant.
Genome position (GRCh38, 1-based): chr7:94,598,872, T>C on the plus strand (A>G on the coding strand, the complement: SGCE is on the minus strand). VCF-style: chr7-94598872-T-C. GRCh37 (hg19) VCF-style: chr7-94228184-T-C.
Other names: c.1156A>G (NM_003919.2); c.1129A>G, p.Thr377Ala (NM_001099400.2, NM_001346717.2); c.1156A>G, p.Thr386Ala (NM_001099401.2); c.1033A>G, p.Thr345Ala (NM_001301139.2); c.1264A>G, p.Thr422Ala (NM_001346713.2); c.1237A>G, p.Thr413Ala (NM_001346715.2); c.1069A>G, p.Thr357Ala (NM_001346719.2); c.883A>G, p.Thr295Ala (NM_001346720.2); and 3 more; short protein forms T295A, T345A, T357A, T413A, T422A, T386A, T286A, T336A.
Identifiers: ClinVar variation 2875763 (VCV002875763.4), dbSNP rs759396645, ClinGen allele CA4348617.

ClinVar aggregate classification (germline): Uncertain significance. Review status: criteria provided, multiple submitters, no conflicts (2 of 4 stars). 2 submissions from 2 submitters: Uncertain significance (2). Last evaluated 2025-11-26.

Conditions:
Inborn genetic diseases. Identifiers: MedGen C0950123, MeSH D030342.
Myoclonic dystonia 11 (DYT11). Also called: Myoclonic dystonia; Dystonia 11; Dystonia, alcohol responsive; Hereditary essential myoclonus; SGCE Myoclonus-Dystonia; Myoclonus-Dystonia. Identifiers: Orphanet 36899, MedGen C1834570, MONDO:0008044, OMIM 159900.

Allele frequency attached by ClinVar (database versions not stated): ExAC 0.00001; gnomAD 0.00001; gnomAD exomes 0.00001; 1000 Genomes Project 30x 0.00031.
gnomAD v4.1: 11 of 1,612,972 alleles (0.00068%); highest among the groups gnomAD compares: Admixed American, 0.0017%; no homozygotes.

Submissions (2):

Ambry Genetics
Classification: Uncertain significance for Inborn genetic diseases. Last evaluated: 2025-11-26. Review status: criteria provided, single submitter. Criteria: Ambry Variant Classification Scheme 2023. Collection method: clinical testing. Allele origin: germline.
Comment: The c.1156A>G (p.T386A) alteration is located in exon 9 (coding exon 9) of the SGCE gene. This alteration results from a A to G substitution at nucleotide position 1156, causing the threonine (T) at amino acid position 386 to be replaced by an alanine (A). Based on data from gnomAD, the G allele has an overall frequency of 0.001% (2/251214) total alleles studied. The highest observed frequency was 0.002% (2/113592) of European (non-Finnish) alleles. Based on insufficient or conflicting evidence, the clinical significance of this alteration remains unclear.

Labcorp Genetics (formerly Invitae), Labcorp
Classification: Uncertain significance for Myoclonic dystonia 11. Last evaluated: 2024-04-03. Review status: criteria provided, single submitter. Criteria: Invitae Variant Classification Sherloc (09022015). Collection method: clinical testing. Allele origin: germline.
Comment: This sequence change replaces threonine, which is neutral and polar, with alanine, which is neutral and non-polar, at codon 386 of the SGCE protein (p.Thr386Ala). This variant is present in population databases (rs759396645, gnomAD 0.0009%). This variant has not been reported in the literature in individuals affected with SGCE-related conditions. Advanced modeling of protein sequence and biophysical properties (such as structural, functional, and spatial information, amino acid conservation, physicochemical variation, residue mobility, and thermodynamic stability) performed at Invitae indicates that this missense variant is not expected to disrupt SGCE protein function with a negative predictive value of 80%. In summary, the available evidence is currently insufficient to determine the role of this variant in disease. Therefore, it has been classified as a Variant of Uncertain Significance.